The following is an entry in ClinVar:

ClinVar aggregate classification (germline): Uncertain significance (1 of 4 stars; one submission).

Conditions:
Agammaglobulinemia 2, autosomal recessive (AGM2). Also called: AGAMMAGLOBULINEMIA, AUTOSOMAL RECESSIVE, DUE TO IGLL1 DEFECT. Identifiers: MedGen C3150750, MONDO:0013287, OMIM 613500.

Submission:

Labcorp Genetics (formerly Invitae), Labcorp
Classification: Uncertain significance for Agammaglobulinemia 2, autosomal recessive. Last evaluated: 2018-07-26. Review status: criteria provided, single submitter. Criteria: Invitae Variant Classification Sherloc (09022015). Collection method: clinical testing. Allele origin: germline.
Comment: This sequence change replaces asparagine with histidine at codon 129 of the IGLL1 protein (p.Asn129His). The asparagine residue is moderately conserved and there is a small physicochemical difference between asparagine and histidine. This variant is not present in population databases (ExAC no frequency). This variant has not been reported in the literature in individuals with IGLL1-related disease. Algorithms developed to predict the effect of missense changes on protein structure and function output the following: SIFT: "Tolerated"; PolyPhen-2: "Benign"; Align-GVGD: "Class C0". The histidine amino acid residue is found in multiple mammalian species, suggesting that this missense change does not adversely affect protein function. These predictions have not been confirmed by published functional studies and their clinical significance is uncertain. In summary, the available evidence is currently insufficient to determine the role of this variant in disease. Therefore, it has been classified as a Variant of Uncertain Significance.

NM_020070.4(IGLL1):c.385A>C (p.Asn129His)

Gene: IGLL1 (immunoglobulin lambda like polypeptide 1; minus strand). Cytogenetic location: 22q11.23.
Variant type: single nucleotide variant.
Coding change: c.385A>C on transcript NM_020070.4 (MANE Select); coding-DNA position 385, A replaced by C.
Protein change: p.Asn129His; replaces asparagine 129 with histidine.
Molecular consequence: missense variant. On other transcripts: 3 prime UTR variant (1).
Genome position (GRCh38, 1-based): chr22:23,573,523, T>G on the plus strand (A>C on the coding strand, the complement: IGLL1 is on the minus strand). VCF-style: chr22-23573523-T-G. GRCh37 (hg19) VCF-style: chr22-23915710-T-G.
Other names: c.388A>C, p.Asn130His (NM_001369906.1); c.*14A>C (NM_152855.3); short protein forms N130H, N129H.
Identifiers: ClinVar variation 644108 (VCV000644108.1), dbSNP rs1304505064, ClinGen allele CA410898866.